The following is an entry in ClinVar:

NM_002693.3(POLG):c.2819G>A (p.Gly940Asp)

Gene: POLG (DNA polymerase gamma, catalytic subunit; minus strand). Cytogenetic location: 15q26.1.
Variant type: single nucleotide variant.
Coding change: c.2819G>A on transcript NM_002693.3 (MANE Select); coding-DNA position 2819, G replaced by A.
Protein change: p.Gly940Asp; replaces glycine 940 with aspartic acid.
Molecular consequence: missense variant.
Genome position (GRCh38, 1-based): chr15:89,320,928, C>T on the plus strand (G>A on the coding strand, the complement: POLG is on the minus strand). VCF-style: chr15-89320928-C-T. GRCh37 (hg19) VCF-style: chr15-89864159-C-T.
Other names: c.2819G>A, p.Gly940Asp (NM_001126131.2); short protein forms G940D.
Identifiers: ClinVar variation 2871897 (VCV002871897.3), dbSNP rs2152061005, ClinGen allele CA393752981.

ClinVar aggregate classification (germline): Uncertain significance (1 of 4 stars; one submission).

Conditions:
Progressive sclerosing poliodystrophy (MTDPS4A). Also called: Mitochondrial DNA depletion syndrome 4A (Alpers type); ALPERS PROGRESSIVE INFANTILE POLIODYSTROPHY; NEURONAL DEGENERATION OF CHILDHOOD WITH LIVER DISEASE, PROGRESSIVE; Alpers Syndrome; ALPERS DIFFUSE DEGENERATION OF CEREBRAL GRAY MATTER WITH HEPATIC CIRRHOSIS; Alpers-Huttenlocher Syndrome. Identifiers: Orphanet 726, MedGen C0205710, MONDO:0008758, OMIM 203700.

Submission:

Labcorp Genetics (formerly Invitae), Labcorp
Classification: Uncertain significance for Progressive sclerosing poliodystrophy. Last evaluated: 2023-01-16. Review status: criteria provided, single submitter. Criteria: Invitae Variant Classification Sherloc (09022015). Collection method: clinical testing. Allele origin: germline.
Comment: This variant has not been reported in the literature in individuals affected with POLG-related conditions. This variant is not present in population databases (gnomAD no frequency). This sequence change replaces glycine, which is neutral and non-polar, with aspartic acid, which is acidic and polar, at codon 940 of the POLG protein (p.Gly940Asp). In summary, the available evidence is currently insufficient to determine the role of this variant in disease. Therefore, it has been classified as a Variant of Uncertain Significance. Advanced modeling of protein sequence and biophysical properties (such as structural, functional, and spatial information, amino acid conservation, physicochemical variation, residue mobility, and thermodynamic stability) performed at Invitae indicates that this missense variant is expected to disrupt POLG protein function.